The following is an entry in ClinVar:

ClinVar aggregate classification (germline): Uncertain significance (1 of 4 stars; one submission).

gnomAD v4.1: 1 of 1,613,852 alleles (0.000062%); highest among the groups gnomAD compares: East Asian, 0.0022%; no homozygotes.

Submission:

GeneDx
Classification: Uncertain significance. Last evaluated: 2024-09-10. Review status: criteria provided, single submitter. Criteria: GeneDx Variant Classification Process June 2021. Collection method: clinical testing. Allele origin: germline. Affected: yes.
Comment: In silico analysis supports that this missense variant has a deleterious effect on protein structure/function; Has not been previously published as pathogenic or benign to our knowledge; Variants in candidate genes are classified as variants of uncertain significance in accordance with ACMG guidelines (PMID: 25741868)

NM_003086.4(SNAPC4):c.490G>C (p.Asp164His)

Gene: SNAPC4 (small nuclear RNA activating complex polypeptide 4; minus strand). Cytogenetic location: 9q34.3.
Variant type: single nucleotide variant.
Coding change: c.490G>C on transcript NM_003086.4 (MANE Select); coding-DNA position 490, G replaced by C.
Protein change: p.Asp164His; replaces aspartic acid 164 with histidine.
Molecular consequence: missense variant.
Genome position (GRCh38, 1-based): chr9:136,394,860, C>G on the plus strand (G>C on the coding strand, the complement: SNAPC4 is on the minus strand). VCF-style: chr9-136394860-C-G. GRCh37 (hg19) VCF-style: chr9-139289312-C-G.
Other names: c.490G>C, p.Asp164His (NM_001394201.1, NM_001394202.1, NM_001394203.1); short protein forms D164H.
Identifiers: ClinVar variation 4530840 (VCV004530840.1).
Genomic context (GRCh38, chr9:136,394,860, plus strand): 5'-ATTTGGTCACAAGGAGCTCCTCGAAAGCCTTGATCCCCTGGGCAGCCTTCTCTCGTGTGT[C>G]CTCGTTGGCAGGTGGCCCCTGTCAGGGTGCACGGCATCACCACAAGCACAGGCCACATGT-3'
Protein context (NP_003077.2, residues 154-174): VTGVGPPANE[Asp164His]TREKAAQGIK